The following is an entry in ClinVar:

NM_000465.4(BARD1):c.8A>T (p.Asp3Val)

Gene: BARD1 (BRCA1 associated RING domain 1; minus strand). Cytogenetic location: 2q35.
Variant type: single nucleotide variant.
Coding change: c.8A>T on transcript NM_000465.4 (MANE Select); coding-DNA position 8, A replaced by T.
Protein change: p.Asp3Val; replaces aspartic acid 3 with valine.
Molecular consequence: missense variant. On other transcripts: non-coding transcript variant (3).
Genome position (GRCh38, 1-based): chr2:214,809,562, T>A on the plus strand (A>T on the coding strand, the complement: BARD1 is on the minus strand). VCF-style: chr2-214809562-T-A. GRCh37 (hg19) VCF-style: chr2-215674286-T-A.
Other names: c.8A>T, p.Asp3Val (NM_001282543.2, NM_001282545.2, NM_001282548.2 and 1 more transcripts); short protein forms D3V.
Identifiers: ClinVar variation 2011717 (VCV002011717.4), dbSNP rs2106172126, ClinGen allele CA350465503.

ClinVar aggregate classification (germline): Uncertain significance (1 of 4 stars; one submission).

Conditions:
Familial cancer of breast. Also called: hereditary breast carcinoma; BREAST CANCER, FAMILIAL; Hereditary breast cancer. Identifiers: Orphanet 227535, MedGen C0346153, MONDO:0016419, OMIM 114480. Disease mechanism: loss of function.

Submission:

Labcorp Genetics (formerly Invitae), Labcorp
Classification: Uncertain significance for Familial cancer of breast. Last evaluated: 2022-06-28. Review status: criteria provided, single submitter. Criteria: Invitae Variant Classification Sherloc (09022015). Collection method: clinical testing. Allele origin: germline.
Comment: This variant is not present in population databases (gnomAD no frequency). This sequence change replaces aspartic acid, which is acidic and polar, with valine, which is neutral and non-polar, at codon 3 of the BARD1 protein (p.Asp3Val). This variant has not been reported in the literature in individuals affected with BARD1-related conditions. Algorithms developed to predict the effect of missense changes on protein structure and function (SIFT, PolyPhen-2, Align-GVGD) all suggest that this variant is likely to be tolerated. In summary, the available evidence is currently insufficient to determine the role of this variant in disease. Therefore, it has been classified as a Variant of Uncertain Significance.